The following is an entry in ClinVar:

NM_001003722.2(GLE1):c.1965-2A>G

Genes: GLE1 (GLE1 RNA export mediator; plus strand), LOC101929270 (uncharacterized LOC101929270; minus strand). Cytogenetic location: 9q34.11.
Variant type: single nucleotide variant.
Coding change: c.1965-2A>G on transcript NM_001003722.2 (MANE Select); the canonical splice acceptor site of the intron before coding-DNA position 1965, A replaced by G.
Molecular consequence: splice acceptor variant.
Genome position (GRCh38, 1-based): chr9:128,540,273, A>G. VCF-style: chr9-128540273-A-G. GRCh37 (hg19) VCF-style: chr9-131302552-A-G.
Other names: c.1992-2A>G (NM_001411013.1).
Identifiers: ClinVar variation 959918 (VCV000959918.8), dbSNP rs1554725979, ClinGen allele CA375046066.

ClinVar aggregate classification (germline): Likely pathogenic (1 of 4 stars; one submission).

Submission:

Labcorp Genetics (formerly Invitae), Labcorp
Classification: Likely pathogenic. Last evaluated: 2019-09-13. Review status: criteria provided, single submitter. Criteria: Invitae Variant Classification Sherloc (09022015). Collection method: clinical testing. Allele origin: germline.
Comment: In summary, the currently available evidence indicates that the variant is pathogenic, but additional data are needed to prove that conclusively. Therefore, this variant has been classified as Likely Pathogenic. Donor and acceptor splice site variants typically lead to a loss of protein function (PMID: 16199547), and loss-of-function variants in GLE1 are known to be pathogenic (PMID: 18204449, 24243016, 27684565). Algorithms developed to predict the effect of sequence changes on RNA splicing suggest that this variant may disrupt the consensus splice site, but this prediction has not been confirmed by published transcriptional studies. This variant has not been reported in the literature in individuals with GLE1-related conditions. This variant is not present in population databases (ExAC no frequency). This sequence change affects an acceptor splice site in intron 14 of the GLE1 gene. It is expected to disrupt RNA splicing and likely results in an absent or disrupted protein product.

Literature cited by the submitters: PubMed 16199547; PubMed 18204449; PubMed 24243016; PubMed 27684565.